The following is an entry in ClinVar:

ClinVar aggregate classification (germline): Uncertain significance (1 of 4 stars; one submission).

Submission:

Women's Health and Genetics/Laboratory Corporation of America, LabCorp
Classification: Uncertain significance. Last evaluated: 2026-03-18. Review status: criteria provided, single submitter. Criteria: LabCorp Variant Classification Summary - May 2015. Collection method: clinical testing. Allele origin: germline.
Comment: Variant summary: FCGR2A c.890A>C (p.Asp297Ala) results in a non-conservative amino acid change in the encoded protein sequence. Algorithms developed to predict the effect of missense changes on protein structure and function are either unavailable or do not agree on the potential impact of this missense change. The variant was absent in 251086 control chromosomes. The available data on variant occurrences in the general population are insufficient to allow any conclusion about variant significance. To our knowledge, no occurrence of c.890A>C in individuals affected with FCGR2A-related conditions and no experimental evidence demonstrating its impact on protein function have been reported. The following publications have been ascertained in the context of this evaluation (PMID: 25370470, 35197968). No submitters have cited clinical-significance assessments for this variant to ClinVar. Based on the evidence outlined above, the variant was classified as uncertain significance.

Literature cited by the submitters: PubMed 25370470; PubMed 35197968.

NM_001136219.3(FCGR2A):c.893A>C (p.Asp298Ala)

Gene: FCGR2A (Fc gamma receptor IIa; plus strand). Cytogenetic location: 1q23.3.
Variant type: single nucleotide variant.
Coding change: c.893A>C on transcript NM_001136219.3 (MANE Select); coding-DNA position 893, A replaced by C.
Protein change: p.Asp298Ala; replaces aspartic acid 298 with alanine.
Molecular consequence: missense variant.
Genome position (GRCh38, 1-based): chr1:161,518,087, A>C. VCF-style: chr1-161518087-A-C. GRCh37 (hg19) VCF-style: chr1-161487877-A-C.
Other names: c.770A>C, p.Asp257Ala (NM_001375296.1); c.767A>C, p.Asp256Ala (NM_001375297.1); c.890A>C, p.Asp297Ala (NM_021642.5); short protein forms D256A, D257A, D297A, D298A.
Identifiers: ClinVar variation 4847099 (VCV004847099.1).
Genomic context (GRCh38, chr1:161,518,087, plus strand): 5'-ACAATGACTATGAAACAGCTGACGGCGGCTACATGACTCTGAACCCCAGGGCACCTACTG[A>C]CGATGATAAAAACATCTACCTGACTCTTCCTCCCAACGACCATGTCAACAGTAATAACTA-3'
Protein context (NP_001129691.1, residues 288-308): YMTLNPRAPT[Asp298Ala]DDKNIYLTLP